The following is an entry in ClinVar:

NM_005228.5(EGFR):c.2284-10C>T

Genes: EGFR-AS1 (EGFR antisense RNA 1; minus strand), EGFR (epidermal growth factor receptor; plus strand). Cytogenetic location: 7p11.2.
Variant type: single nucleotide variant.
Coding change: c.2284-10C>T on transcript NM_005228.5 (MANE Select); 10 bases into the intron before coding-DNA position 2284, C replaced by T.
Molecular consequence: intron variant. On other transcripts: non-coding transcript variant (1).
Genome position (GRCh38, 1-based): chr7:55,181,283, C>T. VCF-style: chr7-55181283-C-T. GRCh37 (hg19) VCF-style: chr7-55248976-C-T.
Other names: c.2149-10C>T (NM_001346899.2, NM_001346897.2); c.1483-10C>T (NM_001346941.2); c.2284-10C>T (NM_001346898.2); c.2125-10C>T (NM_001346900.2).
Identifiers: ClinVar variation 1447939 (VCV001447939.9), dbSNP rs1021347147, ClinGen allele CA158928216.

ClinVar aggregate classification (germline): Likely benign. Review status: criteria provided, multiple submitters, no conflicts (2 of 4 stars). 2 submissions from 2 submitters: Likely benign (2). Last evaluated 2025-04-09.

Conditions:
EGFR-related lung cancer (EGFR). Identifiers: MedGen CN130014.
Lung cancer. Also called: Lung cancer, somatic; Malignant tumor of lung. Identifiers: MedGen C0242379, MONDO:0008903, OMIM 211980.

Allele frequency attached by ClinVar (database versions not stated): TOPMed below 0.00001.
gnomAD v4.1: 1 of 1,614,064 alleles (0.000062%); no homozygotes.

Submissions (2):

Labcorp Genetics (formerly Invitae), Labcorp
Classification: Likely benign for EGFR-related lung cancer. Last evaluated: 2025-04-09. Review status: criteria provided, single submitter. Criteria: Invitae Variant Classification Sherloc (09022015). Collection method: clinical testing. Allele origin: germline.

Myriad Genetics, Inc.
Classification: Likely benign for Lung cancer. Last evaluated: 2024-10-16. Review status: criteria provided, single submitter. Criteria: Myriad Autosomal Dominant, Autosomal Recessive and X-Linked Classification Criteria (2023). Collection method: clinical testing. Allele origin: unknown.
Comment: This variant is considered likely benign. This variant is intronic and is not expected to impact mRNA splicing.